The following is an entry in ClinVar:

ClinVar aggregate classification (germline): Benign. Review status: criteria provided, multiple submitters, no conflicts (2 of 4 stars). 3 submissions from 3 submitters: Benign (3). Last evaluated 2018-06-18.

Allele frequency attached by ClinVar (database versions not stated): gnomAD exomes 0.00085 and 0.00205; ESP Exome Variant Server 0.00790; gnomAD 0.00866 and 0.00943; 1000 Genomes Project 0.00958; ExAC 0.00258; TOPMed 0.01036; 1000 Genomes Project 30x 0.01140.
gnomAD v4.1: 2,659 of 1,613,858 alleles (0.16%); highest among the groups gnomAD compares: African/African-American, 2.9%; 36 homozygotes.

Submissions (3):

GeneDx
Classification: Benign. Last evaluated: 2018-06-18. Review status: criteria provided, single submitter. Criteria: GeneDx Variant Classification (06012015). Collection method: clinical testing. Allele origin: germline. Affected: yes.
Comment: This variant is considered likely benign or benign based on one or more of the following criteria: it is a conservative change, it occurs at a poorly conserved position in the protein, it is predicted to be benign by multiple in silico algorithms, and/or has population frequency not consistent with disease.

Labcorp Genetics (formerly Invitae), Labcorp
Classification: Benign. Last evaluated: 2018-06-18. Review status: criteria provided, single submitter. Criteria: Invitae Variant Classification Sherloc (09022015). Collection method: clinical testing. Allele origin: germline.

Breakthrough Genomics
Classification: Benign. Review status: criteria provided, single submitter. Criteria: ACMG Guidelines, 2015. Collection method: not provided. Allele origin: germline. Inheritance: Unknown mechanism. Affected: yes.

NM_030770.4(TMPRSS5):c.373G>A (p.Val125Met)

Gene: TMPRSS5 (transmembrane serine protease 5; minus strand). Cytogenetic location: 11q23.2.
Variant type: single nucleotide variant.
Coding change: c.373G>A on transcript NM_030770.4 (MANE Select); coding-DNA position 373, G replaced by A.
Protein change: p.Val125Met; replaces valine 125 with methionine.
Molecular consequence: missense variant. On other transcripts: non-coding transcript variant (2).
Genome position (GRCh38, 1-based): chr11:113,697,374, C>T on the plus strand (G>A on the coding strand, the complement: TMPRSS5 is on the minus strand). VCF-style: chr11-113697374-C-T. GRCh37 (hg19) VCF-style: chr11-113568096-C-T.
Other names: c.241G>A, p.Val81Met (NM_001288749.2, NM_001288750.2); c.346G>A, p.Val116Met (NM_001288751.2); c.373G>A, p.Val125Met (NM_001288752.2); short protein forms V81M, V116M, V125M.
Identifiers: ClinVar variation 676685 (VCV000676685.5), dbSNP rs7939917, ClinGen allele CA6281849.